The following is an entry in ClinVar:

ClinVar aggregate classification (germline): Likely pathogenic (1 of 4 stars; one submission).

Submission:

Labcorp Genetics (formerly Invitae), Labcorp
Classification: Likely pathogenic. Last evaluated: 2024-04-16. Review status: criteria provided, single submitter. Criteria: Invitae Variant Classification Sherloc (09022015). Collection method: clinical testing. Allele origin: germline.
Comment: This sequence change affects an acceptor splice site in intron 2 of the ERCC6 gene. It is expected to disrupt RNA splicing. Variants that disrupt the donor or acceptor splice site typically lead to a loss of protein function (PMID: 16199547), and loss-of-function variants in ERCC6 are known to be pathogenic (PMID: 18628313, 29572252). This variant is not present in population databases (gnomAD no frequency). This variant has not been reported in the literature in individuals affected with ERCC6-related conditions. Algorithms developed to predict the effect of sequence changes on RNA splicing suggest that this variant may disrupt the consensus splice site. In summary, the currently available evidence indicates that the variant is pathogenic, but additional data are needed to prove that conclusively. Therefore, this variant has been classified as Likely Pathogenic.

Literature cited by the submitters: PubMed 16199547; PubMed 18628313; PubMed 29572252.

NM_000124.4(ERCC6):c.423-2A>C

Gene: ERCC6 (ERCC excision repair 6, chromatin remodeling factor; minus strand). Cytogenetic location: 10q11.23.
Variant type: single nucleotide variant.
Coding change: c.423-2A>C on transcript NM_000124.4 (MANE Select); the canonical splice acceptor site of the intron before coding-DNA position 423, A replaced by C.
Molecular consequence: splice acceptor variant.
Genome position (GRCh38, 1-based): chr10:49,530,842, T>G on the plus strand (A>C on the coding strand, the complement: ERCC6 is on the minus strand). VCF-style: chr10-49530842-T-G. GRCh37 (hg19) VCF-style: chr10-50738888-T-G.
Other names: c.423-2A>C (NM_001346440.2, NM_001277059.2, NM_001277058.2).
Identifiers: ClinVar variation 2693740 (VCV002693740.3), dbSNP rs2132635786, ClinGen allele CA376710760.